The following is an entry in ClinVar:

NM_001142864.4(PIEZO1):c.3568C>T (p.Leu1190=)

Gene: PIEZO1 (piezo type mechanosensitive ion channel component 1 (Er blood group); minus strand). Cytogenetic location: 16q24.3.
Variant type: single nucleotide variant.
Coding change: c.3568C>T on transcript NM_001142864.4 (MANE Select); coding-DNA position 3568, C replaced by T.
Protein change: p.Leu1190=; no amino-acid change (leucine 1190 retained).
Molecular consequence: synonymous variant.
Genome position (GRCh38, 1-based): chr16:88,726,846, G>A on the plus strand (C>T on the coding strand, the complement: PIEZO1 is on the minus strand). VCF-style: chr16-88726846-G-A. GRCh37 (hg19) VCF-style: chr16-88793254-G-A.
Other names: c.2110C>T, p.Leu704= (NM_014745.1).
Identifiers: ClinVar variation 3046541 (VCV003046541.2), dbSNP rs991895210, ClinGen allele CA286413758.
Genomic context (GRCh38, chr16:88,726,846, plus strand): 5'-CCCGTGTGTCCCTCTGCAGCAGGGCCGTGCCGAAGAGCAGCAGGTAGAAGCAGGCCAGCA[G>A]GTAGCCCAGCCCGAAGATGCTGATGCGGGTGGCCCCCGTGACAAACACCACCACCAGCAC-3'
Protein context (NP_001136336.2, residues 1180-1200): TRISIFGLGY[Leu1190=]LACFYLLLFG

ClinVar aggregate classification (germline): Likely benign (0 of 4 stars; one submission).

Conditions:
PIEZO1-related disorder. Also called: PIEZO1-Related Disorders; PIEZO1-related condition.

Allele frequency attached by ClinVar (database versions not stated): gnomAD 0.00002; gnomAD exomes 0.00003.
gnomAD v4.1: 41 of 1,550,398 alleles (0.0026%); highest among the groups gnomAD compares: Middle Eastern, 0.017%; no homozygotes.

Submission:

PreventionGenetics, part of Exact Sciences
Classification: Likely benign for PIEZO1-related condition. Last evaluated: 2019-03-18. Review status: no assertion criteria provided. Collection method: clinical testing. Allele origin: germline.
Comment: This variant is classified as likely benign based on ACMG/AMP sequence variant interpretation guidelines (Richards et al. 2015 PMID: 25741868, with internal and published modifications).